The following is an entry in ClinVar:

NM_001148.6(ANK2):c.8543C>T (p.Ser2848Phe)

Gene: ANK2 (ankyrin 2; plus strand). Cytogenetic location: 4q26.
Variant type: single nucleotide variant.
Coding change: c.8543C>T on transcript NM_001148.6 (MANE Select); coding-DNA position 8543, C replaced by T.
Protein change: p.Ser2848Phe; replaces serine 2848 with phenylalanine.
Molecular consequence: missense variant. On other transcripts: intron variant (68).
Genome position (GRCh38, 1-based): chr4:113,357,161, C>T. VCF-style: chr4-113357161-C-T. GRCh37 (hg19) VCF-style: chr4-114278317-C-T.
Other names: c.8309C>T, p.Ser2770Phe (NM_001386142.1); c.4943C>T, p.Ser1648Phe (NM_001386166.1); c.8684C>T, p.Ser2895Phe (NM_001386174.1); c.8660C>T, p.Ser2887Phe (NM_001386175.1); c.4412-3662C>T (NM_001386186.2, NM_001386148.2); c.4214-3662C>T (NM_001354269.3); c.4292-3662C>T (NM_001386187.2); c.4253-3662C>T (NM_001386147.1); and 35 more; short protein forms S2848F, S1648F, S2770F, S2887F, S2895F.
Identifiers: ClinVar variation 406463 (VCV000406463.9), dbSNP rs1060501155, ClinGen allele CA16611510.

ClinVar aggregate classification (germline): Uncertain significance. Review status: criteria provided, multiple submitters, no conflicts (2 of 4 stars). 3 submissions from 3 submitters: Uncertain significance (3). Last evaluated 2026-07-01.

Conditions:
Long QT syndrome (LQTS). Identifiers: MedGen C0023976, MeSH D008133, MONDO:0002442. Disease mechanism: loss of function. Inheritance: Various modes of inheritance.

Allele frequency attached by ClinVar (database versions not stated): TOPMed below 0.00001; gnomAD exomes 0.00001.
gnomAD v4.1: 6 of 1,614,116 alleles (0.00037%); highest among the groups gnomAD compares: Admixed American, 0.01%; no homozygotes.

Submissions (3):

CeGaT Center for Human Genetics Tuebingen
Classification: Uncertain significance. Last evaluated: 2026-07-01. Review status: criteria provided, single submitter. Criteria: CeGaT Center For Human Genetics Tuebingen Variant Classification Criteria Version 2. Collection method: clinical testing. Allele origin: germline. Affected: yes. Observed: 1 variant allele.
Comment: ANK2: PM2, BP4

Labcorp Genetics (formerly Invitae), Labcorp
Classification: Uncertain significance for Long QT syndrome. Last evaluated: 2024-11-15. Review status: criteria provided, single submitter. Criteria: Invitae Variant Classification Sherloc (09022015). Collection method: clinical testing. Allele origin: germline.
Comment: This sequence change replaces serine, which is neutral and polar, with phenylalanine, which is neutral and non-polar, at codon 2848 of the ANK2 protein (p.Ser2848Phe). This variant is present in population databases (no rsID available, gnomAD 0.01%). This variant has not been reported in the literature in individuals affected with ANK2-related conditions. ClinVar contains an entry for this variant (Variation ID: 406463). An algorithm developed to predict the effect of missense changes on protein structure and function (PolyPhen-2) suggests that this variant is likely to be tolerated. In summary, the available evidence is currently insufficient to determine the role of this variant in disease. Therefore, it has been classified as a Variant of Uncertain Significance.

GeneDx
Classification: Uncertain significance. Last evaluated: 2024-05-01. Review status: criteria provided, single submitter. Criteria: GeneDx Variant Classification Process June 2021. Collection method: clinical testing. Allele origin: germline. Affected: yes.
Comment: Has not been previously published as pathogenic or benign to our knowledge; Not observed at significant frequency in large population cohorts (gnomAD); Located in exon 38, which is reported as being expressed in a brain-specific transcript (PMID: 1830053, 18790697, 26109584); In silico analysis indicates that this missense variant does not alter protein structure/function; This variant is associated with the following publications: (PMID: 1830053, 18790697, 26109584)